The following is an entry in ClinVar:

NM_004840.3(ARHGEF6):c.685G>A (p.Val229Ile)

Gene: ARHGEF6 (Rac/Cdc42 guanine nucleotide exchange factor 6; minus strand). Cytogenetic location: Xq26.3.
Variant type: single nucleotide variant.
Coding change: c.685G>A on transcript NM_004840.3 (MANE Select); coding-DNA position 685, G replaced by A.
Protein change: p.Val229Ile; replaces valine 229 with isoleucine.
Molecular consequence: missense variant.
Genome position (GRCh38, 1-based): chrX:136,732,149, C>T on the plus strand (G>A on the coding strand, the complement: ARHGEF6 is on the minus strand). VCF-style: chrX-136732149-C-T. GRCh37 (hg19) VCF-style: chrX-135814308-C-T.
Other names: c.223G>A, p.Val75Ile (NM_001306177.2); short protein forms V229I, V75I.
Identifiers: ClinVar variation 210253 (VCV000210253.20), dbSNP rs75329154, ClinGen allele CA205870.

ClinVar aggregate classification (germline): Conflicting classifications of pathogenicity. Review status: criteria provided, conflicting classifications (1 of 4 stars). 8 submissions from 8 submitters: Uncertain significance (1); Likely benign (4). 3 of the submissions do not count toward it. Last evaluated 2024-10-10.

Conditions:
ARHGEF6-related disorder. Also called: ARHGEF6-related condition.

Allele frequency attached by ClinVar (database versions not stated): gnomAD exomes 0.00078 and 0.00098; ExAC 0.00107; gnomAD 0.00146 and 0.00147; TOPMed 0.00169; ESP Exome Variant Server 0.00170; 1000 Genomes Project 0.00238; 1000 Genomes Project 30x 0.00250.

Submissions (8):

Blueprint Genetics
Classification: Likely benign. Last evaluated: 2024-10-10. Review status: criteria provided, single submitter. Criteria: ACMG Guidelines, 2015. Collection method: clinical testing. Allele origin: germline.

Labcorp Genetics (formerly Invitae), Labcorp
Classification: Likely benign. Last evaluated: 2018-03-30. Review status: criteria provided, single submitter. Criteria: Invitae Variant Classification Sherloc (09022015). Collection method: clinical testing. Allele origin: germline.

Genetic Services Laboratory, University of Chicago
Classification: Likely benign. Last evaluated: 2015-04-20. Review status: criteria provided, single submitter. Criteria: ACMG Guidelines, 2015. Collection method: clinical testing. Allele origin: germline.

Ambry Genetics
Classification: Uncertain significance. Last evaluated: 2014-08-01. Review status: criteria provided, single submitter. Criteria: Ambry Variant Classification Scheme 2023. Collection method: clinical testing. Allele origin: germline.
Comment: The p.V229I variant (also known as c.685G>A), located in coding exon 6 of the ARHGEF6 gene, results from a G to A substitution at nucleotide position 685. The valine at codon 229 is replaced by isoleucine, an amino acid with highly similar properties. This variant was previously reported in the SNPDatabase as rs75329154. Based on data from the 1000 Genomes Project, the A allele has an overall frequency of approximately 0% (0/503) total male alleles studied.. Based on data from the NHLBI Exome Sequencing Project (ESP), the A allele has an overall frequency of approximately 0.08% (2/2443) total male alleles studied, having been observed in 0.18% (1/571) African American male alleles and 0.05% (1/1872) European American male alleles. This amino acid position is not conserved on species alignment. In addition, this alteration is predicted to be tolerated by in silico analysis. Since supporting evidence is limited at this time, the clinical significance of this variant remains unclear.

Breakthrough Genomics
Classification: Likely benign. Review status: criteria provided, single submitter. Criteria: ACMG Guidelines, 2015. Collection method: not provided. Allele origin: germline. Inheritance: Unknown mechanism. Affected: yes.

PreventionGenetics, part of Exact Sciences
Classification: Likely benign for ARHGEF6-related condition. Last evaluated: 2019-10-17. Review status: no assertion criteria provided. Collection method: clinical testing. Allele origin: germline. Not counted in ClinVar's aggregate classification.
Comment: This variant is classified as likely benign based on ACMG/AMP sequence variant interpretation guidelines (Richards et al. 2015 PMID: 25741868, with internal and published modifications).

Clinical Genetics DNA and cytogenetics Diagnostics Lab, Erasmus MC, Erasmus Medical Center
Classification: Likely benign. Review status: no assertion criteria provided. Collection method: clinical testing. Allele origin: germline. Affected: yes. Study: VKGL Data-share Consensus. Not counted in ClinVar's aggregate classification.

Laboratory of Diagnostic Genome Analysis, Leiden University Medical Center (LUMC)
Classification: Likely benign. Review status: no assertion criteria provided. Collection method: clinical testing. Allele origin: germline. Affected: yes. Study: VKGL Data-share Consensus. Not counted in ClinVar's aggregate classification.